The following is an entry in ClinVar:

ClinVar aggregate classification (germline): Uncertain significance (1 of 4 stars; one submission).

Submission:

Labcorp Genetics (formerly Invitae), Labcorp
Classification: Uncertain significance. Last evaluated: 2023-04-28. Review status: criteria provided, single submitter. Criteria: Invitae Variant Classification Sherloc (09022015). Collection method: clinical testing. Allele origin: germline.
Comment: In summary, the available evidence is currently insufficient to determine the role of this variant in disease. Therefore, it has been classified as a Variant of Uncertain Significance. An algorithm developed to predict the effect of missense changes on protein structure and function (PolyPhen-2) suggests that this variant is likely to be tolerated. This variant has not been reported in the literature in individuals affected with ERBB2-related conditions. This variant is not present in population databases (gnomAD no frequency). This sequence change replaces glutamine, which is neutral and polar, with arginine, which is basic and polar, at codon 1099 of the ERBB2 protein (p.Gln1099Arg).

NM_004448.4(ERBB2):c.3296A>G (p.Gln1099Arg)

Gene: ERBB2 (erb-b2 receptor tyrosine kinase 2; plus strand). Cytogenetic location: 17q12.
Variant type: single nucleotide variant.
Coding change: c.3296A>G on transcript NM_004448.4 (MANE Select); coding-DNA position 3296, A replaced by G.
Protein change: p.Gln1099Arg; replaces glutamine 1099 with arginine.
Molecular consequence: missense variant. On other transcripts: non-coding transcript variant (1), intron variant (2).
Genome position (GRCh38, 1-based): chr17:39,727,431, A>G. VCF-style: chr17-39727431-A-G. GRCh37 (hg19) VCF-style: chr17-37883684-A-G.
Other names: c.3206A>G, p.Gln1069Arg (NM_001005862.3, NM_001382782.1, NM_001382783.1); c.3251A>G, p.Gln1084Arg (NM_001289936.2); c.3413A>G, p.Gln1138Arg (NM_001382784.1); c.3398A>G, p.Gln1133Arg (NM_001382785.1); c.3377A>G, p.Gln1126Arg (NM_001382786.1); c.3371A>G, p.Gln1124Arg (NM_001382787.1); c.3326A>G, p.Gln1109Arg (NM_001382788.1); c.3317A>G, p.Gln1106Arg (NM_001382789.1); and 17 more; short protein forms Q1031R, Q1069R, Q1083R, Q1085R, Q1087R, Q1096R, Q1099R, Q1013R.
Identifiers: ClinVar variation 2860051 (VCV002860051.3), dbSNP rs2143247797, ClinGen allele CA399310814.